The following is an entry in ClinVar:

ClinVar aggregate classification (germline): Uncertain significance (1 of 4 stars; one submission).

Conditions:
Early-onset Lafora body disease. Also called: Epilepsy, progressive myoclonic, 10. Identifiers: Orphanet 324290, MedGen C4225258, MONDO:0014717, OMIM 616640.

Allele frequency attached by ClinVar (database versions not stated): ExAC below 0.00001; gnomAD exomes 0.00001 and 0.00004; TOPMed 0.00001.
gnomAD v4.1: 8 of 1,563,660 alleles (0.00051%); highest among the groups gnomAD compares: Admixed American, 0.013%; no homozygotes.

Submission:

Labcorp Genetics (formerly Invitae), Labcorp
Classification: Uncertain significance for Early-onset Lafora body disease. Last evaluated: 2021-08-26. Review status: criteria provided, single submitter. Criteria: Invitae Variant Classification Sherloc (09022015). Collection method: clinical testing. Allele origin: germline.
Comment: This sequence change replaces asparagine with histidine at codon 556 of the PRDM8 protein (p.Asn556His). The asparagine residue is highly conserved and there is a small physicochemical difference between asparagine and histidine. The frequency data for this variant in the population databases is considered unreliable, as metrics indicate poor data quality at this position in the ExAC database. This variant has not been reported in the literature in individuals affected with PRDM8-related conditions. Algorithms developed to predict the effect of missense changes on protein structure and function are either unavailable or do not agree on the potential impact of this missense change (SIFT: "Deleterious"; PolyPhen-2: "Probably Damaging"; Align-GVGD: "Class C0"). In summary, the available evidence is currently insufficient to determine the role of this variant in disease. Therefore, it has been classified as a Variant of Uncertain Significance.

NM_001099403.2(PRDM8):c.1666A>C (p.Asn556His)

Gene: PRDM8 (PR/SET domain 8; plus strand). Cytogenetic location: 4q21.21.
Variant type: single nucleotide variant.
Coding change: c.1666A>C on transcript NM_001099403.2 (MANE Select); coding-DNA position 1666, A replaced by C.
Protein change: p.Asn556His; replaces asparagine 556 with histidine.
Molecular consequence: missense variant.
Genome position (GRCh38, 1-based): chr4:80,203,128, A>C. VCF-style: chr4-80203128-A-C. GRCh37 (hg19) VCF-style: chr4-81124282-A-C.
Other names: c.1666A>C, p.Asn556His (NM_020226.4); short protein forms N556H.
Identifiers: ClinVar variation 1015301 (VCV001015301.6), dbSNP rs768703640, ClinGen allele CA2982425.